The following is an entry in ClinVar:

NM_004415.4(DSP):c.888C>G (p.Tyr296Ter)

Gene: DSP (desmoplakin; plus strand). Cytogenetic location: 6p24.3.
Variant type: single nucleotide variant.
Coding change: c.888C>G on transcript NM_004415.4 (MANE Select); coding-DNA position 888, C replaced by G.
Protein change: p.Tyr296Ter; replaces tyrosine 296 with a stop codon.
Molecular consequence: nonsense.
Genome position (GRCh38, 1-based): chr6:7,565,469, C>G. VCF-style: chr6-7565469-C-G. GRCh37 (hg19) VCF-style: chr6-7565702-C-G.
Other names: p.Y296*:TAC>TAG; c.888C>G (LRG_423t1); c.888C>G, p.Tyr296Ter (NM_001008844.3, NM_001319034.2); short protein forms Y296*.
Identifiers: ClinVar variation 199855 (VCV000199855.14), dbSNP rs149701627, ClinGen allele CA007801.

ClinVar aggregate classification (germline): Pathogenic/Likely pathogenic. Review status: criteria provided, multiple submitters, no conflicts (2 of 4 stars). 3 submissions from 3 submitters: Pathogenic (2); Likely pathogenic (1). Last evaluated 2025-02-02.

Conditions:
Arrhythmogenic cardiomyopathy with wooly hair and keratoderma. Also called: Carvajal syndrome; Dilated cardiomyopathy with woolly hair and keratoderma; Arrhythmogenic cardiomyopathy with woolly hair and keratoderma; PALMOPLANTAR KERATODERMA WITH LEFT VENTRICULAR CARDIOMYOPATHY AND WOOLLY HAIR. Identifiers: Orphanet 65282, MedGen C1854063, MONDO:0011581, OMIM 605676.
Arrhythmogenic right ventricular dysplasia 8 (ARVD8). Also called: Arrhythmogenic Right Ventricular Dysplasia/Cardiomyopathy 8; ARRHYTHMOGENIC RIGHT VENTRICULAR CARDIOMYOPATHY 8; ARRHYTHMOGENIC RIGHT VENTRICULAR DYSPLASIA, FAMILIAL, 8. Identifiers: MedGen C1843896, MONDO:0011831, OMIM 607450.
Cardiomyopathy (CMYO). Also called: Cardiomyopathies. Identifiers: Orphanet 167848, MedGen C0878544, MONDO:0004994, HP:0001638. Inheritance: Various modes of inheritance.

Submissions (3):

Labcorp Genetics (formerly Invitae), Labcorp
Classification: Pathogenic for Arrhythmogenic cardiomyopathy with wooly hair and keratoderma; Arrhythmogenic right ventricular dysplasia 8. Last evaluated: 2025-02-02. Review status: criteria provided, single submitter. Criteria: Invitae Variant Classification Sherloc (09022015). Collection method: clinical testing. Allele origin: germline.
Comment: This sequence change creates a premature translational stop signal (p.Tyr296*) in the DSP gene. It is expected to result in an absent or disrupted protein product. Loss-of-function variants in DSP are known to be pathogenic (PMID: 20716751, 24503780, 25227139). This variant is not present in population databases (gnomAD no frequency). This variant has not been reported in the literature in individuals affected with DSP-related conditions. ClinVar contains an entry for this variant (Variation ID: 199855). For these reasons, this variant has been classified as Pathogenic.

GeneDx
Classification: Likely pathogenic. Last evaluated: 2020-06-17. Review status: criteria provided, single submitter. Criteria: GeneDx Variant Classification Process June 2021. Collection method: clinical testing. Allele origin: germline. Affected: yes.
Comment: Has not been previously published as pathogenic or benign to our knowledge; Not observed in large population cohorts (Lek et al., 2016); Nonsense variant predicted to result in protein truncation or nonsense mediated decay in a gene for which loss-of-function is a known mechanism of disease

Color Diagnostics, LLC DBA Color Health
Classification: Pathogenic for Cardiomyopathy. Last evaluated: 2019-01-16. Review status: criteria provided, single submitter. Criteria: ACMG Guidelines, 2015. Collection method: clinical testing. Allele origin: germline.
Comment: This variant changes 1 nucleotide in exon 7 of the DSP gene, creating a premature translation stop signal. This variant is expected to result in an absent or non-functional protein product. To our knowledge, functional assays have not been performed for this variant nor has this variant been reported in individuals affected with cardiovascular disorders in the literature. This variant has not been identified in the general population by the Genome Aggregation Database (gnomAD). Loss of DSP function is a known mechanism of disease. Based on available evidence, this variant is classified as Pathogenic.

Literature cited by the submitters: PubMed 20716751 (cited by Labcorp Genetics (formerly Invitae), Labcorp); PubMed 24503780 (cited by Labcorp Genetics (formerly Invitae), Labcorp); PubMed 25227139 (cited by Labcorp Genetics (formerly Invitae), Labcorp).